The following is an entry in ClinVar:

ClinVar aggregate classification (germline): Uncertain significance. Review status: criteria provided, multiple submitters, no conflicts (2 of 4 stars). 2 submissions from 2 submitters: Uncertain significance (2). Last evaluated 2025-11-10.

Allele frequency attached by ClinVar (database versions not stated): gnomAD 0.00001; TOPMed 0.00007.
gnomAD v4.1: 31 of 1,543,608 alleles (0.002%); highest among the groups gnomAD compares: Admixed American, 0.053%; no homozygotes.

Submissions (2):

Labcorp Genetics (formerly Invitae), Labcorp
Classification: Uncertain significance. Last evaluated: 2025-11-10. Review status: criteria provided, single submitter. Criteria: Invitae Variant Classification Sherloc (09022015). Collection method: clinical testing. Allele origin: germline.
Comment: This sequence change replaces serine, which is neutral and polar, with threonine, which is neutral and polar, at codon 12 of the RIPPLY2 protein (p.Ser12Thr). This variant is present in population databases (no rsID available, gnomAD 0.1%), and has an allele count higher than expected for a pathogenic variant. This variant has not been reported in the literature in individuals affected with RIPPLY2-related conditions. ClinVar contains an entry for this variant (Variation ID: 2074572). Experimental studies and prediction algorithms are not available or were not evaluated, and the functional significance of this variant is currently unknown. In summary, the available evidence is currently insufficient to determine the role of this variant in disease. Therefore, it has been classified as a Variant of Uncertain Significance.

Ambry Genetics
Classification: Uncertain significance. Last evaluated: 2025-06-26. Review status: criteria provided, single submitter. Criteria: Ambry Variant Classification Scheme 2023. Collection method: clinical testing. Allele origin: germline.

NM_001009994.3(RIPPLY2):c.35G>C (p.Ser12Thr)

Genes: RIPPLY2-CYB5R4 (RIPPLY2-CYB5R4 readthrough; plus strand), RIPPLY2 (ripply transcriptional repressor 2; plus strand). Cytogenetic location: 6q14.2.
Variant type: single nucleotide variant.
Coding change: c.35G>C on transcript NM_001009994.3 (MANE Select); coding-DNA position 35, G replaced by C.
Protein change: p.Ser12Thr; replaces serine 12 with threonine.
Molecular consequence: missense variant. On other transcripts: non-coding transcript variant (1).
Genome position (GRCh38, 1-based): chr6:83,853,451, G>C. VCF-style: chr6-83853451-G-C. GRCh37 (hg19) VCF-style: chr6-84563170-G-C.
Other names: c.35G>C (NM_001009994.1); c.35G>C, p.Ser12Thr (NM_001400900.1); short protein forms S12T.
Identifiers: ClinVar variation 2074572 (VCV002074572.7), dbSNP rs1056866161, ClinGen allele CA142674427.